The following is an entry in ClinVar:

ClinVar aggregate classification (germline): Uncertain significance (1 of 4 stars; one submission).

Conditions:
Hereditary cancer-predisposing syndrome. Also called: Tumor predisposition; Neoplastic Syndromes, Hereditary; Hereditary neoplastic syndrome; Hereditary Cancer Syndrome. Identifiers: Orphanet 140162, MedGen C0027672, MeSH D009386, MONDO:0015356.

Submission:

Ambry Genetics
Classification: Uncertain significance for Hereditary cancer-predisposing syndrome. Last evaluated: 2024-08-20. Review status: criteria provided, single submitter. Criteria: Ambry Variant Classification Scheme 2023. Collection method: clinical testing. Allele origin: germline.
Comment: The p.K129T variant (also known as c.386A>C), located in coding exon 2 of the BLM gene, results from an A to C substitution at nucleotide position 386. The lysine at codon 129 is replaced by threonine, an amino acid with similar properties. This amino acid position is conserved. In addition, this alteration is predicted to be tolerated by in silico analysis. Based on the available evidence, the clinical significance of this variant remains unclear.

NM_000057.4(BLM):c.386A>C (p.Lys129Thr)

Gene: BLM (BLM RecQ like helicase; plus strand). Cytogenetic location: 15q26.1.
Variant type: single nucleotide variant.
Coding change: c.386A>C on transcript NM_000057.4 (MANE Select); coding-DNA position 386, A replaced by C.
Protein change: p.Lys129Thr; replaces lysine 129 with threonine.
Molecular consequence: missense variant. On other transcripts: 5 prime UTR variant (1).
Genome position (GRCh38, 1-based): chr15:90,749,654, A>C. VCF-style: chr15-90749654-A-C. GRCh37 (hg19) VCF-style: chr15-91292884-A-C.
Other names: c.386A>C, p.Lys129Thr (NM_001287246.2, NM_001287247.2); c.-906A>C (NM_001287248.2); short protein forms K129T.
Identifiers: ClinVar variation 3480833 (VCV003480833.1).